The following is an entry in ClinVar:

NM_002528.7(NTHL1):c.545A>G (p.Lys182Arg)

Gene: NTHL1 (nth like DNA glycosylase 1; minus strand). Cytogenetic location: 16p13.3.
Variant type: single nucleotide variant.
Coding change: c.545A>G on transcript NM_002528.7 (MANE Select); coding-DNA position 545, A replaced by G.
Protein change: p.Lys182Arg; replaces lysine 182 with arginine.
Molecular consequence: missense variant.
Genome position (GRCh38, 1-based): chr16:2,043,707, T>C on the plus strand (A>G on the coding strand, the complement: NTHL1 is on the minus strand). VCF-style: chr16-2043707-T-C. GRCh37 (hg19) VCF-style: chr16-2093708-T-C.
Other names: c.374A>G, p.Lys125Arg (NM_001318193.2); c.215A>G, p.Lys72Arg (NM_001318194.2); short protein forms K182R, K72R, K125R.
Identifiers: ClinVar variation 3648014 (VCV003648014.2).

ClinVar aggregate classification (germline): Uncertain significance (1 of 4 stars; one submission).

Submission:

Labcorp Genetics (formerly Invitae), Labcorp
Classification: Uncertain significance. Last evaluated: 2024-03-28. Review status: criteria provided, single submitter. Criteria: Invitae Variant Classification Sherloc (09022015). Collection method: clinical testing. Allele origin: germline.
Comment: This sequence change replaces lysine, which is basic and polar, with arginine, which is basic and polar, at codon 190 of the NTHL1 protein (p.Lys190Arg). This variant is not present in population databases (gnomAD no frequency). This variant has not been reported in the literature in individuals affected with NTHL1-related conditions. An algorithm developed to predict the effect of missense changes on protein structure and function (PolyPhen-2) suggests that this variant is likely to be tolerated. In summary, the available evidence is currently insufficient to determine the role of this variant in disease. Therefore, it has been classified as a Variant of Uncertain Significance.